The following is an entry in ClinVar:

ClinVar aggregate classification (germline): Pathogenic. Review status: criteria provided, multiple submitters, no conflicts (2 of 4 stars). 13 submissions from 13 submitters: Pathogenic (11). 2 of the submissions do not count toward it. Last evaluated 2026-01-13.

Conditions:
PPT1-related disorder. Also called: PPT1-related condition.
Inborn genetic diseases. Identifiers: MedGen C0950123, MeSH D030342.
Developmental and epileptic encephalopathy. Identifiers: MedGen C5779964, MONDO:0100620.
Neuronal ceroid lipofuscinosis. Also called: Neuronal Ceroid Lipofuscinoses. Identifiers: Orphanet 216, Orphanet 79263, MedGen C0027877, MONDO:0016295. Disease mechanism: loss of function.
Neuronal ceroid lipofuscinosis 1 (CLN1). Also called: CEROID LIPOFUSCINOSIS, NEURONAL, 1, VARIABLE AGE AT ONSET; PPT1-Related Neuronal Ceroid-Lipofuscinosis. Identifiers: Orphanet 228329, MedGen C1850451, MONDO:0009744, OMIM 256730.

Allele frequency attached by ClinVar (database versions not stated): gnomAD 0.00004; gnomAD exomes 0.00008 and 0.00010; TOPMed 0.00006; ExAC 0.00007.
gnomAD v4.1: 144 of 1,613,882 alleles (0.0089%); highest among the groups gnomAD compares: Non-Finnish European, 0.012%; no homozygotes.

Submissions (13):

Labcorp Genetics (formerly Invitae), Labcorp
Classification: Pathogenic for Neuronal ceroid lipofuscinosis 1. Last evaluated: 2026-01-13. Review status: criteria provided, single submitter. Criteria: Invitae Variant Classification Sherloc (09022015). Collection method: clinical testing. Allele origin: germline.
Comment: This sequence change creates a premature translational stop signal (p.Leu10*) in the PPT1 gene. It is expected to result in an absent or disrupted protein product. Loss-of-function variants in PPT1 are known to be pathogenic (PMID: 10679943, 21990111). This variant is present in population databases (rs137852699, gnomAD 0.02%). This premature translational stop signal has been observed in individuals with juvenile or infantile neuronal ceroid lipofuscinosis (PMID: 9425237, 9664077, 23539563). ClinVar contains an entry for this variant (Variation ID: 8903). For these reasons, this variant has been classified as Pathogenic.

Natera, Inc.
Classification: Pathogenic for Neuronal ceroid lipofuscinosis 1. Last evaluated: 2025-06-02. Review status: criteria provided, single submitter. Criteria: Natera Variant Classification Schema (03/2026). Collection method: clinical testing. Allele origin: germline.
Comment: The c.29T>A variant in PPT1 is a nonsense variant predicted to introduce a stop codon at amino acid 10. This variant is expected to result in nonsense mediated decay, truncation, or a dysfunctional protein product. This variant is rare in the general population with a frequency below the threshold expected for the associated phenotype(s). This variant has been observed in one or more individuals affected with the associated recessive disease, as either homozygous or compound heterozygous with a second variant (PMID: 9664077, 21704547). Given the available evidence, this variant is classified as Pathogenic.

North West Genomic Laboratory Hub, Manchester University NHS Foundation Trust
Classification: Pathogenic for Neuronal ceroid lipofuscinosis 1. Last evaluated: 2025-03-28. Review status: criteria provided, single submitter. Criteria: ACGS Best Practice Guidelines for Variant Classification in Rare Disease 2024. Collection method: clinical testing. Allele origin: germline. Affected: yes.
Comment: PM3_Str PM2_Mod PVS1_VStr

Women's Health and Genetics/Laboratory Corporation of America, LabCorp
Classification: Pathogenic for Neuronal ceroid lipofuscinosis. Last evaluated: 2025-03-05. Review status: criteria provided, single submitter. Criteria: LabCorp Variant Classification Summary - May 2015. Collection method: clinical testing. Allele origin: germline.
Comment: Variant summary: PPT1 c.29T>A (p.Leu10X) results in a premature termination codon, predicted to cause a truncation of the encoded protein or absence of the protein due to nonsense mediated decay, which are commonly known mechanisms for disease. The variant allele was found at a frequency of 8e-05 in 250496 control chromosomes (gnomAD). This frequency is not higher than the maximum estimated for a pathogenic variant in PPT1 causing Neuronal Ceroid-Lipofuscinosis (Batten Disease) (0.0014), allowing no conclusion about variant significance. c.29T>A has been reported in the literature in multiple individuals affected with Neuronal Ceroid-Lipofuscinosis (Batten Disease) in both homozygous and compound heterozygous state (e.g. Das_1998, Mitchison_1998, Stephenson_1999). These data indicate that the variant is very likely to be associated with disease. At least one publication reported experimental evidence measuring PPT enzyme activity from patient derived cells, and demonstrated less than 10% residual activity (Mitchison_1998). The following publications have been ascertained in the context of this evaluation (PMID: 9425237, 9664077, 10191109). ClinVar contains an entry for this variant (Variation ID: 8903). Based on the evidence outlined above, the variant was classified as pathogenic.

Department of Human Genetics, Hannover Medical School
Classification: Pathogenic for Neuronal ceroid lipofuscinosis 1. Last evaluated: 2025-02-19. Review status: criteria provided, single submitter. Criteria: ACMG Guidelines, 2015. Collection method: clinical testing. Allele origin: germline. Inheritance: Autosomal recessive inheritance. Affected: yes.
Comment: ACMG: PVS1, PM2_Supporting, PM3_Strong, PP4_Strong

Blueprint Genetics
Classification: Pathogenic for PPT1-related disorders. Last evaluated: 2024-06-07. Review status: criteria provided, single submitter. Criteria: ACMG Guidelines, 2015. Collection method: clinical testing. Allele origin: germline. Affected: yes. Observed: 3 variant alleles.

Fulgent Genetics
Classification: Pathogenic for Neuronal ceroid lipofuscinosis 1. Last evaluated: 2024-03-27. Review status: criteria provided, single submitter. Criteria: ACMG Guidelines, 2015. Collection method: clinical testing. Allele origin: germline.

GeneDx
Classification: Pathogenic. Last evaluated: 2023-03-24. Review status: criteria provided, single submitter. Criteria: GeneDx Variant Classification Process June 2021. Collection method: clinical testing. Allele origin: germline. Affected: yes.
Comment: Has been reported previously in several families with infantile or juvenile neuronal ceroid lipofuscinosis (NCL) in the compound heterozygous state with a second variant or in the homozygous state (Mitchison et al., 1998; Das et al., 1998; Miller et al., 2013); Nonsense variant predicted to result in protein truncation or nonsense mediated decay in a gene for which loss of function is a known mechanism of disease; Published functional studies demonstrate L10X associated with decreased mRNA and enzyme activity levels (Das et al., 2001; Miller et al., 2013).; This variant is associated with the following publications: (PMID: 21990111, 9733046, 11073228, 21704547, 15965709, 9425237, 31741823, 9664077, 23539563, 31440721, 34733232, 11440996)

Unidad de Genómica Garrahan, Hospital de Pediatría Garrahan
Classification: Pathogenic for Developmental and epileptic encephalopathy. Last evaluated: 2023-01-01. Review status: criteria provided, single submitter. Criteria: ACMG Guidelines, 2015. Collection method: clinical testing. Allele origin: maternal. Affected: yes. Observed: 1 variant allele.
Comment: ACMG/AMP criteria applied: PVS1, PM2, PM3. Observed in compound heterozygosity with PPT1:c.127G>A; p.(Asp43Asn) (likely pathogenic, SCV005881716).

Ambry Genetics
Classification: Pathogenic for Inborn genetic diseases. Last evaluated: 2022-04-25. Review status: criteria provided, single submitter. Criteria: Ambry Variant Classification Scheme 2023. Collection method: clinical testing. Allele origin: germline.
Comment: The c.29T>A (p.L10*) alteration, located in exon 1 (coding exon 1) of the PPT1 gene, consists of a T to A substitution at nucleotide position 29. This changes the amino acid from a leucine (L) to a stop codon at amino acid position 10. This alteration is expected to result in loss of function by premature protein truncation or nonsense-mediated mRNA decay. Based on data from gnomAD, the A allele has an overall frequency of 0.01% (21/281870) total alleles studied. The highest observed frequency was 0.02% (20/128290) of European (non-Finnish) alleles. This mutation was reported in the homozygous state in an individual diagnosed with autosomal recessive infantile neuronal ceroid lipofuscinosis (Munroe, 1998). This mutation has also been found in multiple individuals who were compound heterozygotes for p.L10* along with another mutation in PPT1 and diagnosed with juvenile onset neuronal ceroid lipofuscinosis/granular osmiophilic deposits (Mitchison, 1998). Based on the available evidence, this alteration is classified as pathogenic.

Eurofins Ntd Llc (ga)
Classification: Pathogenic. Last evaluated: 2017-09-29. Review status: criteria provided, single submitter. Criteria: EGL Classification Definitions 2015. Collection method: clinical testing. Allele origin: germline. Observed: 3 variant alleles, 3 heterozygotes.

Counsyl
Classification: Likely pathogenic for Ceroid lipofuscinosis neuronal 1. Last evaluated: 2014-09-30. Review status: no assertion criteria provided. Collection method: literature only. Allele origin: unknown. Inheritance: Autosomal recessive inheritance. Not counted in ClinVar's aggregate classification.

OMIM
Classification: Pathogenic for CEROID LIPOFUSCINOSIS, NEURONAL, 1. Last evaluated: 1998-02-01. Review status: no assertion criteria provided. Collection method: literature only. Allele origin: germline. Not counted in ClinVar's aggregate classification.

Literature cited by the submitters: PubMed 10679943 (cited by Labcorp Genetics (formerly Invitae), Labcorp); PubMed 21990111 (cited by Labcorp Genetics (formerly Invitae), Labcorp); PubMed 9425237 (cited by 5 submitters); PubMed 9664077 (cited by 3 submitters); PubMed 23539563 (cited by Labcorp Genetics (formerly Invitae), Labcorp and Counsyl); PubMed 21704547 (cited by Natera, Inc. and Counsyl); PubMed 10191109 (cited by Women's Health and Genetics/Laboratory Corporation of America, LabCorp); PubMed 9733046 (cited by Ambry Genetics and Counsyl); PubMed 11440996 (cited by Counsyl); PubMed 11073228 (cited by Counsyl); PubMed 24997880 (cited by Counsyl).

NM_000310.4(PPT1):c.29T>A (p.Leu10Ter)

Gene: PPT1 (palmitoyl-protein thioesterase 1; minus strand). Cytogenetic location: 1p34.2.
Variant type: single nucleotide variant.
Coding change: c.29T>A on transcript NM_000310.4 (MANE Select); coding-DNA position 29, T replaced by A.
Protein change: p.Leu10Ter; replaces leucine 10 with a stop codon.
Molecular consequence: nonsense.
Genome position (GRCh38, 1-based): chr1:40,097,210, A>T on the plus strand (T>A on the coding strand, the complement: PPT1 is on the minus strand). VCF-style: chr1-40097210-A-T. GRCh37 (hg19) VCF-style: chr1-40562882-A-T.
Other names: p.L10*:TTG>TAG; NP_000301.1:p.(Leu10Ter); c.29T>A, p.Leu10Ter (NM_001142604.2, NM_001363695.2); short protein forms L10*.
Identifiers: ClinVar variation 8903 (VCV000008903.32), dbSNP rs137852699, ClinGen allele CA254584.